The following is an entry in ClinVar:

NC_000004.11:g.(?_128841785)_(128843128_?)del

Gene: MFSD8 (major facilitator superfamily domain containing 8; minus strand). Cytogenetic location: 4q28.2.
Variant type: Deletion.
Identifiers: ClinVar variation 1069577 (VCV001069577.2).

ClinVar aggregate classification (germline): Pathogenic (1 of 4 stars; one submission).

Conditions:
Neuronal ceroid lipofuscinosis 7 (CLN7). Also called: MFSD8-Related Neuronal Ceroid-Lipofuscinosis. Identifiers: Orphanet 168491, Orphanet 228366, MedGen C1838571, MONDO:0012588, OMIM 610951.

Submission:

Labcorp Genetics (formerly Invitae), Labcorp
Classification: Pathogenic for Neuronal ceroid lipofuscinosis 7. Last evaluated: 2022-10-17. Review status: criteria provided, single submitter. Criteria: Invitae Variant Classification Sherloc (09022015). Collection method: clinical testing. Allele origin: germline.
Comment: This variant is a gross deletion of the genomic region encompassing exon(s) 11-13 of the MFSD8 gene, which includes the termination codon. This deletion extends beyond the assayed region for this gene and therefore may encompass additional genes. While this deletion is not anticipated to lead to nonsense mediated decay, it is expected to alter mRNA translation or result in a truncated protein product. This variant has not been reported in the literature in individuals affected with MFSD8-related conditions. This variant disrupts a region of the MFSD8 protein in which other variant(s) (p.Arg482*) have been determined to be pathogenic (PMID: 19177532, 25976102, 28708303; Invitae). This suggests that this is a clinically significant region of the protein, and that variants that disrupt it are likely to be disease-causing. For these reasons, this variant has been classified as Pathogenic.

Literature cited by the submitters: PubMed 19177532; PubMed 25976102; PubMed 28708303.